The following is an entry in ClinVar:

ClinVar aggregate classification (germline): Uncertain significance (1 of 4 stars; one submission).

Conditions:
Hyperaldosteronism, familial, type IV (HALD4). Also called: FH IV; ALDOSTERONISM, PRIMARY, AND HYPERTENSION. Identifiers: Orphanet 642671, MedGen C4310756, MONDO:0014875, OMIM 617027.
Idiopathic generalized epilepsy. Also called: Generalised epilepsy; EIG. Identifiers: MedGen C0270850, MONDO:0005579, OMIM 600669.

Submission:

Labcorp Genetics (formerly Invitae), Labcorp
Classification: Uncertain significance for Idiopathic generalized epilepsy; Hyperaldosteronism, familial, type IV. Last evaluated: 2022-09-29. Review status: criteria provided, single submitter. Criteria: Invitae Variant Classification Sherloc (09022015). Collection method: clinical testing. Allele origin: germline.
Comment: This variant is not present in population databases (gnomAD no frequency). This sequence change replaces serine, which is neutral and polar, with arginine, which is basic and polar, at codon 1234 of the CACNA1H protein (p.Ser1234Arg). This variant has not been reported in the literature in individuals affected with CACNA1H-related conditions. In summary, the available evidence is currently insufficient to determine the role of this variant in disease. Therefore, it has been classified as a Variant of Uncertain Significance. Advanced modeling of protein sequence and biophysical properties (such as structural, functional, and spatial information, amino acid conservation, physicochemical variation, residue mobility, and thermodynamic stability) performed at Invitae indicates that this missense variant is not expected to disrupt CACNA1H protein function. ClinVar contains an entry for this variant (Variation ID: 529588).

NM_021098.3(CACNA1H):c.3702C>A (p.Ser1234Arg)

Gene: CACNA1H (calcium voltage-gated channel subunit alpha1 H; plus strand). Cytogenetic location: 16p13.3.
Variant type: single nucleotide variant.
Coding change: c.3702C>A on transcript NM_021098.3 (MANE Select); coding-DNA position 3702, C replaced by A.
Protein change: p.Ser1234Arg; replaces serine 1234 with arginine.
Molecular consequence: missense variant.
Genome position (GRCh38, 1-based): chr16:1,209,370, C>A. VCF-style: chr16-1209370-C-A. GRCh37 (hg19) VCF-style: chr16-1259370-C-A.
Other names: c.3702C>A, p.Ser1234Arg (NM_001005407.2); short protein forms S1234R.
Identifiers: ClinVar variation 529588 (VCV000529588.8), dbSNP rs1176658784, ClinGen allele CA394174469.